The following is an entry in ClinVar:

NM_000256.3(MYBPC3):c.3331-1G>C

Gene: MYBPC3 (myosin binding protein C3; minus strand). Cytogenetic location: 11p11.2.
Variant type: single nucleotide variant.
Coding change: c.3331-1G>C on transcript NM_000256.3 (MANE Select); the canonical splice acceptor site of the intron before coding-DNA position 3331, G replaced by C.
Molecular consequence: splice acceptor variant.
Genome position (GRCh38, 1-based): chr11:47,332,974, C>G on the plus strand (G>C on the coding strand, the complement: MYBPC3 is on the minus strand). VCF-style: chr11-47332974-C-G. GRCh37 (hg19) VCF-style: chr11-47354525-C-G.
Identifiers: ClinVar variation 519194 (VCV000519194.15), dbSNP rs727504305, ClinGen allele CA380313881.
Genomic context (GRCh38, chr11:47,332,974, plus strand): 5'-GATGAGCTCTGGCACCACGCAGTGGGTGCGGCGGTAATGCTCCAAGACGGTGAACCACTC[C>G]TGGGGGCAGGGAGGGAGGGGAGGCATCTCTGGGCCAGGCCCTTCCTGATGCCGAGAGCCT-3'

ClinVar aggregate classification (germline): Pathogenic/Likely pathogenic. Review status: criteria provided, multiple submitters, no conflicts (2 of 4 stars). 2 submissions from 2 submitters: Pathogenic (1); Likely pathogenic (1). Last evaluated 2024-02-12.

Conditions:
Cardiovascular phenotype. Identifiers: MedGen CN230736.
Hypertrophic cardiomyopathy. Also called: HYPERTROPHIC MYOCARDIOPATHY. Identifiers: Orphanet 217569, MedGen C0007194, MeSH D002312, MONDO:0005045, HP:0001639.

Submissions (2):

Ambry Genetics
Classification: Pathogenic for Cardiovascular phenotype. Last evaluated: 2024-02-12. Review status: criteria provided, single submitter. Criteria: Ambry Variant Classification Scheme 2023. Collection method: clinical testing. Allele origin: germline.
Comment: The c.3331-1G>C intronic pathogenic mutation results from a G to C substitution one nucleotide before coding exon 31 of the MYBPC3 gene. This variant has been detected in individuals with features consistent with hypertrophic cardiomyopathy (Ko C. Genet Med. 2018 Jan;20(1):69-75; Ambry internal data). This variant is considered to be rare based on population cohorts in the Genome Aggregation Database (gnomAD). This nucleotide position is highly conserved in available vertebrate species. In silico splice site analysis predicts that this alteration will weaken the native splice acceptor site and will result in the creation or strengthening of a novel splice acceptor site. Alterations that disrupt the canonical splice site are expected to cause aberrant splicing, resulting in an abnormal protein or a transcript that is subject to nonsense-mediated mRNA decay. Based on the supporting evidence, this alteration is interpreted as a disease-causing mutation.

Labcorp Genetics (formerly Invitae), Labcorp
Classification: Likely pathogenic for Hypertrophic cardiomyopathy. Last evaluated: 2019-06-21. Review status: criteria provided, single submitter. Criteria: Invitae Variant Classification Sherloc (09022015). Collection method: clinical testing. Allele origin: germline.
Comment: Donor and acceptor splice site variants typically lead to a loss of protein function (PMID: 16199547), and loss-of-function variants in MYBPC3 are known to be pathogenic (PMID: 19574547). In summary, the currently available evidence indicates that the variant is pathogenic, but additional data are needed to prove that conclusively. Therefore, this variant has been classified as Likely Pathogenic. This variant has been observed in an individual affected with hypertrophic cardiomyopathy (PMID: 28640247). ClinVar contains an entry for this variant (Variation ID: 519194). This variant is not present in population databases (ExAC no frequency). This sequence change affects an acceptor splice site in intron 30 of the MYBPC3 gene. It is expected to disrupt RNA splicing and likely results in an absent or disrupted protein product.

Literature cited by the submitters: PubMed 28640247 (cited by Ambry Genetics and Labcorp Genetics (formerly Invitae), Labcorp); PubMed 16199547 (cited by Labcorp Genetics (formerly Invitae), Labcorp); PubMed 19574547 (cited by Labcorp Genetics (formerly Invitae), Labcorp).